The following is an entry in ClinVar:

NM_000307.5(POU3F4):c.522A>G (p.Glu174=)

Gene: POU3F4 (POU class 3 homeobox 4; plus strand). Cytogenetic location: Xq21.1.
Variant type: single nucleotide variant.
Coding change: c.522A>G on transcript NM_000307.5 (MANE Select); coding-DNA position 522, A replaced by G.
Protein change: p.Glu174=; no amino-acid change (glutamic acid 174 retained).
Molecular consequence: synonymous variant.
Genome position (GRCh38, 1-based): chrX:83,508,846, A>G. VCF-style: chrX-83508846-A-G. GRCh37 (hg19) VCF-style: chrX-82763854-A-G.
Identifiers: ClinVar variation 3061537 (VCV003061537.2), dbSNP rs748935939, ClinGen allele CA10462791.

ClinVar aggregate classification (germline): Likely benign (0 of 4 stars; one submission).

Conditions:
POU3F4-related disorder. Also called: POU3F4-related condition.

Allele frequency attached by ClinVar (database versions not stated): gnomAD 0.00001; gnomAD exomes 0.00001; TOPMed 0.00002; ExAC 0.00003.

Submission:

PreventionGenetics, part of Exact Sciences
Classification: Likely benign for POU3F4-related condition. Last evaluated: 2022-10-22. Review status: no assertion criteria provided. Collection method: clinical testing. Allele origin: germline.
Comment: This variant is classified as likely benign based on ACMG/AMP sequence variant interpretation guidelines (Richards et al. 2015 PMID: 25741868, with internal and published modifications).